The following is an entry in ClinVar:

ClinVar aggregate classification (germline): Conflicting classifications of pathogenicity. Review status: criteria provided, conflicting classifications (1 of 4 stars). 8 submissions from 8 submitters: Uncertain significance (1); Benign (2); Likely benign (4). 1 of the submissions does not count toward it. Last evaluated 2026-04-23.

Conditions:
ABCA4-related disorder. Also called: ABCA4-related condition; ABCA4-related disorders. Identifiers: MedGen CN239167.
Retinal dystrophy. Also called: Inherited retinal dystrophy. Identifiers: Orphanet 71862, MedGen C0854723, MeSH D058499, MONDO:0019118, HP:0000556.

Allele frequency attached by ClinVar (database versions not stated): gnomAD exomes 0.00021 and 0.00054; ExAC 0.00067; 1000 Genomes Project 30x 0.00156; 1000 Genomes Project 0.00160; gnomAD 0.00221 and 0.00243; TOPMed 0.00240; ESP Exome Variant Server 0.00300.
gnomAD v4.1: 649 of 1,614,044 alleles (0.04%); highest among the groups gnomAD compares: African/African-American, 0.79%; 4 homozygotes.

Submissions (8):

PreventionGenetics, part of Exact Sciences
Classification: Benign for ABCA4-related condition. Last evaluated: 2026-04-23. Review status: criteria provided, single submitter. Criteria: ACMG Guidelines, 2015. Collection method: clinical testing. Allele origin: germline.
Comment: This variant is classified as benign based on ACMG/AMP sequence variant interpretation guidelines (Richards et al. 2015 PMID: 25741868, with internal and published modifications).

Labcorp Genetics (formerly Invitae), Labcorp
Classification: Benign. Last evaluated: 2026-01-24. Review status: criteria provided, single submitter. Criteria: Invitae Variant Classification Sherloc (09022015). Collection method: clinical testing. Allele origin: germline.

Blueprint Genetics
Classification: Likely benign. Last evaluated: 2024-09-18. Review status: criteria provided, single submitter. Criteria: ACMG Guidelines, 2015. Collection method: clinical testing. Allele origin: germline.

Dept Of Ophthalmology, Nagoya University
Classification: Likely benign for Retinal dystrophy. Last evaluated: 2023-10-01. Review status: criteria provided, single submitter. Criteria: Submitter's publication. Collection method: research. Allele origin: germline. Affected: yes.

Illumina Laboratory Services, Illumina
Classification: Uncertain significance for ABCA4-Related Disorders. Last evaluated: 2018-01-12. Review status: criteria provided, single submitter. Criteria: ICSL Variant Classification Criteria 13 December 2019. Collection method: clinical testing. Allele origin: germline.

GeneDx
Classification: Likely benign. Last evaluated: 2017-05-31. Review status: criteria provided, single submitter. Criteria: GeneDx Variant Classification (06012015). Collection method: clinical testing. Allele origin: germline. Affected: yes.
Comment: This variant is considered likely benign or benign based on one or more of the following criteria: it is a conservative change, it occurs at a poorly conserved position in the protein, it is predicted to be benign by multiple in silico algorithms, and/or has population frequency not consistent with disease.

Eurofins Ntd Llc (ga)
Classification: Likely benign. Last evaluated: 2015-06-03. Review status: criteria provided, single submitter. Criteria: EGL Classification Definitions 2015. Collection method: clinical testing. Allele origin: germline. Observed: 1 variant allele, 1 heterozygote.

Retina International
No classification provided. Review status: no classification provided. Collection method: not provided. Allele origin: not provided. Not counted in ClinVar's aggregate classification.

NM_000350.3(ABCA4):c.1653G>A (p.Val551=)

Gene: ABCA4 (ATP binding cassette subfamily A member 4; minus strand). Cytogenetic location: 1p22.1.
Variant type: single nucleotide variant.
Coding change: c.1653G>A on transcript NM_000350.3 (MANE Select); coding-DNA position 1653, G replaced by A.
Protein change: p.Val551=; no amino-acid change (valine 551 retained).
Molecular consequence: synonymous variant.
Genome position (GRCh38, 1-based): chr1:94,063,219, C>T on the plus strand (G>A on the coding strand, the complement: ABCA4 is on the minus strand). VCF-style: chr1-94063219-C-T. GRCh37 (hg19) VCF-style: chr1-94528775-C-T.
Other names: c.1653G>A, p.Val551= (NM_001425324.1).
Identifiers: ClinVar variation 99071 (VCV000099071.22), dbSNP rs61753963, ClinGen allele CA200895.